The following is an entry in ClinVar:

NM_001199107.2(TBC1D24):c.430T>C (p.Tyr144His)

Gene: TBC1D24 (TBC1 domain family member 24; plus strand). Cytogenetic location: 16p13.3.
Variant type: single nucleotide variant.
Coding change: c.430T>C on transcript NM_001199107.2 (MANE Select); coding-DNA position 430, T replaced by C.
Protein change: p.Tyr144His; replaces tyrosine 144 with histidine.
Molecular consequence: missense variant.
Genome position (GRCh38, 1-based): chr16:2,496,578, T>C. VCF-style: chr16-2496578-T-C. GRCh37 (hg19) VCF-style: chr16-2546579-T-C.
Other names: c.430T>C, p.Tyr144His (NM_020705.3); short protein forms Y144H.
Identifiers: ClinVar variation 2944586 (VCV002944586.3), dbSNP rs768913863, ClinGen allele CA7843998.
Genomic context (GRCh38, chr16:2,496,578, plus strand): 5'-CAGTTCCCCGACATCTCCTTCTGCCCCGCCCTGCCGGCCGTGGTGGCCCTGCTGCTGCAC[T>C]ACAGCATCGACGAGGCCGAGTGCTTCGAGAAGGCCTGCCGCATCCTGGCCTGCAATGACC-3'
Protein context (NP_001186036.1, residues 134-154): LPAVVALLLH[Tyr144His]SIDEAECFEK

ClinVar aggregate classification (germline): Uncertain significance (1 of 4 stars; one submission).

Conditions:
Autosomal dominant nonsyndromic hearing loss 65. Also called: Deafness, autosomal dominant 65; TBC1D24-Related Autosomal Dominant Nonsyndromic Hearing Loss (DFNA). Identifiers: Orphanet 90635, MedGen C3892048, MONDO:0014470, OMIM 616044.
Developmental and epileptic encephalopathy, 1 (DEE1). Also called: INFANTILE SPASM SYNDROME, X-LINKED 1; X-linked infantile spasms; West's syndrome; Tonic spasms with clustering, arrest of psychomotor development and hypsarrhythmia on EEG; X-Linked Infantile Spasm Syndrome; OHTAHARA SYNDROME, X-LINKED. Identifiers: MedGen C3463992, MONDO:0010632, OMIM 308350. Disease mechanism: loss of function.

Allele frequency attached by ClinVar (database versions not stated): ExAC 0.00001.

Submission:

Labcorp Genetics (formerly Invitae), Labcorp
Classification: Uncertain significance for Developmental and epileptic encephalopathy, 1; Autosomal dominant nonsyndromic hearing loss 65. Last evaluated: 2023-08-17. Review status: criteria provided, single submitter. Criteria: Invitae Variant Classification Sherloc (09022015). Collection method: clinical testing. Allele origin: germline.
Comment: This sequence change replaces tyrosine, which is neutral and polar, with histidine, which is basic and polar, at codon 144 of the TBC1D24 protein (p.Tyr144His). This variant is present in population databases (rs768913863, gnomAD 0.0009%). This variant has not been reported in the literature in individuals affected with TBC1D24-related conditions. Advanced modeling of protein sequence and biophysical properties (such as structural, functional, and spatial information, amino acid conservation, physicochemical variation, residue mobility, and thermodynamic stability) performed at Invitae indicates that this missense variant is not expected to disrupt TBC1D24 protein function. In summary, the available evidence is currently insufficient to determine the role of this variant in disease. Therefore, it has been classified as a Variant of Uncertain Significance.